The following is an entry in ClinVar:

NM_182925.5(FLT4):c.2842C>T (p.Pro948Ser)

Gene: FLT4 (fms related receptor tyrosine kinase 4; minus strand). Cytogenetic location: 5q35.3.
Variant type: single nucleotide variant.
Coding change: c.2842C>T on transcript NM_182925.5 (MANE Select); coding-DNA position 2842, C replaced by T.
Protein change: p.Pro948Ser; replaces proline 948 with serine.
Molecular consequence: missense variant.
Genome position (GRCh38, 1-based): chr5:180,619,029, G>A on the plus strand (C>T on the coding strand, the complement: FLT4 is on the minus strand). VCF-style: chr5-180619029-G-A. GRCh37 (hg19) VCF-style: chr5-180046029-G-A.
Other names: c.2842C>T, p.Pro948Ser (NM_001354989.2, NM_002020.5); short protein forms P948S.
Identifiers: ClinVar variation 4819444 (VCV004819444.1).

ClinVar aggregate classification (germline): Likely benign (1 of 4 stars; one submission).

Conditions:
Hereditary lymphedema type I (LMPHM1). Also called: LYMPHATIC MALFORMATION 1; Milroy Disease; Nonne-Milroy disease; Congenital hereditary lymphedema; Early onset lymphedema; Hereditary lymphedema 1. Identifiers: Orphanet 79452, MedGen C1704423, MONDO:0007919, OMIM 153100.

Submission:

Centre for Medical Genetics,  Mumbai
Classification: Likely benign for Hereditary lymphedema type I. Last evaluated: 2026-03-13. Review status: criteria provided, single submitter. Criteria: ACMG Guidelines, 2015. Collection method: provider interpretation. Allele origin: germline. Inheritance: Autosomal dominant inheritance. Affected: no. Observed: 1 variant allele, 1 heterozygote.
Comment: The variant satisfies PM2 criteria; Extremely low frequency in gnomAD population databases. However, the variant satisfies BS2 criteria.

Literature cited by the submitters: PubMed 9817924.